The following is an entry in ClinVar:

NM_004517.4(ILK):c.869A>C (p.Asp290Ala)

Genes: ILK (integrin linked kinase; plus strand), TAF10 (TATA-box binding protein associated factor 10; minus strand). Cytogenetic location: 11p15.4.
Variant type: single nucleotide variant.
Coding change: c.869A>C on transcript NM_004517.4 (MANE Select); coding-DNA position 869, A replaced by C.
Protein change: p.Asp290Ala; replaces aspartic acid 290 with alanine.
Molecular consequence: missense variant. On other transcripts: 3 prime UTR variant (1).
Genome position (GRCh38, 1-based): chr11:6,609,736, A>C. VCF-style: chr11-6609736-A-C. GRCh37 (hg19) VCF-style: chr11-6630967-A-C.
Other names: c.869A>C, p.Asp290Ala (NM_001014794.3, NM_001014795.3); c.686A>C, p.Asp229Ala (NM_001278441.2); c.467A>C, p.Asp156Ala (NM_001278442.2); c.*1186T>G (NM_006284.4); short protein forms D229A, D290A, D156A.
Identifiers: ClinVar variation 3285934 (VCV003285934.1).

ClinVar aggregate classification (germline): Uncertain significance (1 of 4 stars; one submission).

Submission:

Ambry Genetics
Classification: Uncertain significance. Last evaluated: 2024-04-25. Review status: criteria provided, single submitter. Criteria: Ambry Variant Classification Scheme 2023. Collection method: clinical testing. Allele origin: germline.
Comment: The p.D290A variant (also known as c.869A>C), located in coding exon 9 of the ILK gene, results from an A to C substitution at nucleotide position 869. The aspartic acid at codon 290 is replaced by alanine, an amino acid with dissimilar properties. This amino acid position is conserved. In addition, this alteration is predicted to be deleterious by in silico analysis. Based on the available evidence, the clinical significance of this variant remains unclear.